The following is an entry in ClinVar:

ClinVar aggregate classification (germline): Uncertain significance (1 of 4 stars; one submission).

Conditions:
Larsen-like syndrome, B3GAT3 type. Also called: Multiple joint dislocations, short stature, craniofacial dysmorphism, with or without congenital heart defects; MULTIPLE JOINT DISLOCATIONS, SHORT STATURE, AND CRANIOFACIAL DYSMORPHISM WITH OR WITHOUT CONGENITAL HEART DEFECTS. Identifiers: Orphanet 284139, MedGen CN034159, MONDO:0009511, OMIM 245600.

Allele frequency attached by ClinVar (database versions not stated): TOPMed below 0.00001.

Submission:

Labcorp Genetics (formerly Invitae), Labcorp
Classification: Uncertain significance for Larsen-like syndrome, B3GAT3 type. Last evaluated: 2018-10-23. Review status: criteria provided, single submitter. Criteria: Invitae Variant Classification Sherloc (09022015). Collection method: clinical testing. Allele origin: germline.
Comment: In summary, the available evidence is currently insufficient to determine the role of this variant in disease. Therefore, it has been classified as a Variant of Uncertain Significance. This sequence change replaces threonine with serine at codon 83 of the B3GAT3 protein (p.Thr83Ser). The threonine residue is highly conserved and there is a small physicochemical difference between threonine and serine. This variant is not present in population databases (ExAC no frequency). This variant has not been reported in the literature in individuals with B3GAT3-related disease. Algorithms developed to predict the effect of missense changes on protein structure and function (SIFT, PolyPhen-2, Align-GVGD) all suggest that this variant is likely to be disruptive, but these predictions have not been confirmed by published functional studies and their clinical significance is uncertain.

NM_012200.4(B3GAT3):c.247A>T (p.Thr83Ser)

Gene: B3GAT3 (beta-1,3-glucuronyltransferase 3; minus strand). Cytogenetic location: 11q12.3.
Variant type: single nucleotide variant.
Coding change: c.247A>T on transcript NM_012200.4 (MANE Select); coding-DNA position 247, A replaced by T.
Protein change: p.Thr83Ser; replaces threonine 83 with serine.
Molecular consequence: missense variant. On other transcripts: non-coding transcript variant (1).
Genome position (GRCh38, 1-based): chr11:62,620,507, T>A on the plus strand (A>T on the coding strand, the complement: B3GAT3 is on the minus strand). VCF-style: chr11-62620507-T-A. GRCh37 (hg19) VCF-style: chr11-62387979-T-A.
Other names: c.226A>T, p.Thr76Ser (NM_001288721.2); c.247A>T, p.Thr83Ser (NM_001288722.2, NM_001288723.2); short protein forms T83S, T76S.
Identifiers: ClinVar variation 649029 (VCV000649029.8), dbSNP rs1590779613, ClinGen allele CA380980404.
Genomic context (GRCh38, chr11:62,620,507, plus strand): 5'-CTCCAACTTCTTGGACAACGCAGACCTCTTGAGTGCACCAGAGCCCATACCTGGCATAGG[T>A]GGGGGTAACAACATAGATAGTAGGCAGGGCCTCGGGTTCAGGGGGCTGGGCAGGGGCAGG-3'
Protein context (NP_036332.2, residues 73-93): ALPTIYVVTP[Thr83Ser]YARLVQKAEL